The following is an entry in ClinVar:

ClinVar aggregate classification (germline): Uncertain significance. Review status: criteria provided, multiple submitters, no conflicts (2 of 4 stars). 3 submissions from 3 submitters: Uncertain significance (3). Last evaluated 2026-03-22.

Conditions:
Arrhythmogenic right ventricular dysplasia 8 (ARVD8). Also called: Arrhythmogenic Right Ventricular Dysplasia/Cardiomyopathy 8; ARRHYTHMOGENIC RIGHT VENTRICULAR DYSPLASIA, FAMILIAL, 8; ARRHYTHMOGENIC RIGHT VENTRICULAR CARDIOMYOPATHY 8. Identifiers: MedGen C1843896, MONDO:0011831, OMIM 607450.
Arrhythmogenic cardiomyopathy with wooly hair and keratoderma. Also called: Arrhythmogenic cardiomyopathy with woolly hair and keratoderma; Dilated cardiomyopathy with woolly hair and keratoderma; PALMOPLANTAR KERATODERMA WITH LEFT VENTRICULAR CARDIOMYOPATHY AND WOOLLY HAIR; Carvajal syndrome. Identifiers: Orphanet 65282, MedGen C1854063, MONDO:0011581, OMIM 605676.
Cardiomyopathy (CMYO). Also called: Cardiomyopathies. Identifiers: Orphanet 167848, MedGen C0878544, MONDO:0004994, HP:0001638. Inheritance: Various modes of inheritance.

Submissions (3):

GeneDx
Classification: Uncertain significance. Last evaluated: 2026-03-22. Review status: criteria provided, single submitter. Criteria: GeneDx Variant Classification Process June 2021. Collection method: clinical testing. Allele origin: germline.
Comment: Has been reported in an individual identified as part of the eMERGE study; described as c.597_598insGTAA due to alternate nomenclature (PMID: 31447099); In silico analysis suggests that this variant does not alter splicing; This variant is associated with the following publications: (PMID: 31447099)

Labcorp Genetics (formerly Invitae), Labcorp
Classification: Uncertain significance for Arrhythmogenic cardiomyopathy with wooly hair and keratoderma; Arrhythmogenic right ventricular dysplasia 8. Last evaluated: 2025-11-18. Review status: criteria provided, single submitter. Criteria: Invitae Variant Classification Sherloc (09022015). Collection method: clinical testing. Allele origin: germline.
Comment: This sequence change falls in intron 4 of the DSP gene. It does not directly change the encoded amino acid sequence of the DSP protein. It affects a nucleotide within the consensus splice site. This variant is present in population databases (rs765558005, gnomAD 0.01%). This variant has not been reported in the literature in individuals affected with DSP-related conditions. ClinVar contains an entry for this variant (Variation ID: 844107). Variants that disrupt the consensus splice site are a relatively common cause of aberrant splicing (PMID: 17576681, 9536098). Algorithms developed to predict the effect of sequence changes on RNA splicing suggest that this variant is not likely to affect RNA splicing. In summary, the available evidence is currently insufficient to determine the role of this variant in disease. Therefore, it has been classified as a Variant of Uncertain Significance.

Color Diagnostics, LLC DBA Color Health
Classification: Uncertain significance for Cardiomyopathy. Last evaluated: 2023-10-12. Review status: criteria provided, single submitter. Criteria: ACMG Guidelines, 2015. Collection method: clinical testing. Allele origin: germline.
Comment: This variant results in the duplication of 4 nucleotides in the intron 4 splice donor region of the DSP gene. To our knowledge, functional studies have not been reported for this variant. This variant has not been reported in individuals affected with cardiovascular disorders in the literature. This variant has been identified in 6/250218 chromosomes in the general population by the Genome Aggregation Database (gnomAD). The available evidence is insufficient to determine the role of this variant in disease conclusively. Therefore, this variant is classified as a Variant of Uncertain Significance.

Literature cited by the submitters: PubMed 17576681 (cited by Labcorp Genetics (formerly Invitae), Labcorp); PubMed 9536098 (cited by Labcorp Genetics (formerly Invitae), Labcorp).

NM_004415.4(DSP):c.597+2_597+5dup

Gene: DSP (desmoplakin; plus strand). Cytogenetic location: 6p24.3.
Variant type: Duplication.
Coding change: c.597+2_597+5dup on transcript NM_004415.4 (MANE Select); the canonical splice donor site of the intron after coding-DNA position 597 through 5 bases into the intron after coding-DNA position 597, 4 bases duplicated (TAAG; older notation c.597+2_597+5dupTAAG).
Molecular consequence: splice donor variant.
Genome position (GRCh38, 1-based): chr6:7,559,402-7,559,405, TAAG duplicated; duplicating any 4 consecutive bases within chr6:7,559,401-7,559,405 gives the same sequence; the c. name uses the placement nearest the transcript's 3' end. VCF-style (leftmost placement, unchanged base first): chr6-7559400-G-GGTAA. GRCh37 (hg19) VCF-style: chr6-7559633-G-GGTAA.
Other names: c.597+2_597+5dup (NM_001319034.2, NM_001008844.3).
Identifiers: ClinVar variation 844107 (VCV000844107.16), dbSNP rs765558005, ClinGen allele CA3628080.
Genomic context (GRCh38, chr6:7,559,400, plus strand): 5'-CTGGGATGAGTTCACCAAACATGTCACCAGTGAATGTTTGGGGTGGATGAGGCAGCAAAG[G>GGTAA]GTAAGCAGCTTCTTGAACAGCCCAAACCTGTGCAGGCCAGACGTTCCAGCACGATGGGGT-3'